The following is an entry in ClinVar:

NM_004985.5(KRAS):c.191A>G (p.Tyr64Cys)

Gene: KRAS (KRAS proto-oncogene, GTPase; minus strand). Cytogenetic location: 12p12.1.
Variant type: single nucleotide variant.
Coding change: c.191A>G on transcript NM_004985.5 (MANE Select); coding-DNA position 191, A replaced by G.
Protein change: p.Tyr64Cys; replaces tyrosine 64 with cysteine.
Molecular consequence: missense variant.
Genome position (GRCh38, 1-based): chr12:25,227,333, T>C on the plus strand (A>G on the coding strand, the complement: KRAS is on the minus strand). VCF-style: chr12-25227333-T-C. GRCh37 (hg19) VCF-style: chr12-25380267-T-C.
Other names: c.191A>G, p.Tyr64Cys (NM_001369786.1, NM_001369787.1, NM_033360.4); short protein forms Y64C.
Identifiers: ClinVar variation 4530511 (VCV004530511.1).

ClinVar aggregate classification (somatic clinical impact): Tier II - Potential (1 of 4 stars; one submission).

Conditions:
Astrocytoma IDH-mutant. Identifiers: MedGen C5669733.

Submission:

Institute for Genomic Medicine (IGM) Clinical Laboratory, Nationwide Children's Hospital
Classification: Tier II - Potential for Astrocytoma IDH-mutant. Assertion type: diagnostic. Clinical significance: supports diagnosis. Last evaluated: 2024-04-11. Review status: criteria provided, single submitter. Criteria: AMP/ASCO/CAP Guidelines, 2017. Collection method: clinical testing. Allele origin: somatic. Affected: yes.
Comment: Variant has Tier II (potential) clinical significance as a diagnostic inclusion criterion in Astrocytoma IDH-mutant, based on the following evidence: 1) Assists in diagnosis alone or along with other biomarkers based on small studies or few case reports (Evidence Level D; PMID: 24714777).

Literature cited by the submitters: PubMed 24714777.